The following is an entry in ClinVar:

ClinVar aggregate classification (germline): Uncertain significance (1 of 4 stars; one submission).

Conditions:
Familial adenomatous polyposis 1 (FAP1). Also called: FAMILIAL ADENOMATOUS POLYPOSIS 1, ATTENUATED; POLYPOSIS, ADENOMATOUS INTESTINAL. Identifiers: MedGen C2713442, MONDO:0021056, OMIM 175100. Disease mechanism: loss of function.

Submission:

Labcorp Genetics (formerly Invitae), Labcorp
Classification: Uncertain significance for Familial adenomatous polyposis 1. Last evaluated: 2020-05-10. Review status: criteria provided, single submitter. Criteria: Invitae Variant Classification Sherloc (09022015). Collection method: clinical testing. Allele origin: germline.
Comment: This sequence change replaces proline with alanine at codon 2147 of the APC protein (p.Pro2147Ala). The proline residue is highly conserved and there is a small physicochemical difference between proline and alanine. In summary, the available evidence is currently insufficient to determine the role of this variant in disease. Therefore, it has been classified as a Variant of Uncertain Significance. Algorithms developed to predict the effect of sequence changes on RNA splicing suggest that this variant may create or strengthen a splice site, but this prediction has not been confirmed by published transcriptional studies. Algorithms developed to predict the effect of missense changes on protein structure and function are either unavailable or do not agree on the potential impact of this missense change (SIFT: "Deleterious"; PolyPhen-2: "Probably Damaging"; Align-GVGD: "Class C0"). This variant has not been reported in the literature in individuals with APC-related conditions. This variant is not present in population databases (ExAC no frequency).

NM_000038.6(APC):c.6439C>G (p.Pro2147Ala)

Gene: APC (APC regulator of Wnt signaling pathway; plus strand). Cytogenetic location: 5q22.2.
Variant type: single nucleotide variant.
Coding change: c.6439C>G on transcript NM_000038.6 (MANE Select); coding-DNA position 6439, C replaced by G.
Protein change: p.Pro2147Ala; replaces proline 2147 with alanine.
Molecular consequence: missense variant.
Genome position (GRCh38, 1-based): chr5:112,842,033, C>G. VCF-style: chr5-112842033-C-G. GRCh37 (hg19) VCF-style: chr5-112177730-C-G.
Other names: c.6439C>G, p.Pro2147Ala (NM_001127510.3, NM_001354895.2); c.6385C>G, p.Pro2129Ala (NM_001127511.3); c.6493C>G, p.Pro2165Ala (NM_001354896.2); c.6469C>G, p.Pro2157Ala (NM_001354897.2); c.6364C>G, p.Pro2122Ala (NM_001354898.2); c.6355C>G, p.Pro2119Ala (NM_001354899.2); c.6316C>G, p.Pro2106Ala (NM_001354900.2); c.6262C>G, p.Pro2088Ala (NM_001354901.2); and 5 more; short protein forms P1864A, P1987A, P2021A, P2046A, P2056A, P2088A, P2106A, P2119A.
Identifiers: ClinVar variation 1060831 (VCV001060831.10), dbSNP rs1766211971, ClinGen allele CA16035420.
Genomic context (GRCh38, chr5:112,842,033, plus strand): 5'-CAAGCTTCGTCTGATTCAGATTCCATCCTTTCCCTGAAATCAGGAATCTCTCTGGGATCA[C>G]CATTTCATCTTACACCTGATCAAGAAGAAAAACCCTTTACAAGTAATAAAGGCCCACGAA-3'
Protein context (NP_000029.2, residues 2137-2157): SLKSGISLGS[Pro2147Ala]FHLTPDQEEK